The following is an entry in ClinVar:

NM_000135.4(FANCA):c.3935-3C>G

Genes: FANCA (FA complementation group A; minus strand), ZNF276 (zinc finger protein 276; plus strand). Cytogenetic location: 16q24.3.
Variant type: single nucleotide variant.
Coding change: c.3935-3C>G on transcript NM_000135.4 (MANE Select); 3 bases into the intron before coding-DNA position 3935, C replaced by G.
Molecular consequence: intron variant. On other transcripts: 3 prime UTR variant (2), non-coding transcript variant (4).
Genome position (GRCh38, 1-based): chr16:89,739,556, G>C on the plus strand (C>G on the coding strand, the complement: FANCA is on the minus strand). VCF-style: chr16-89739556-G-C. GRCh37 (hg19) VCF-style: chr16-89805964-G-C.
Other names: c.*1310G>C (NM_001113525.2, NM_152287.4); c.3935-3C>G (NM_001286167.3).
Identifiers: ClinVar variation 2087527 (VCV002087527.3), dbSNP rs368999000, ClinGen allele CA8250855.
Genomic context (GRCh38, chr16:89,739,556, plus strand): 5'-AGCAGCCTGGTGTGCTGATCCGGGGCCACACGGAGGAGGAGCCGCCCCAGCCTGAGGTCT[G>C]CAACACCAAGAAGTGGCTCAGGCAACTCTGGACATCTCTGCCTATTATCAGTGCTGGGGA-3'

ClinVar aggregate classification (germline): Uncertain significance (1 of 4 stars; one submission).

Conditions:
Fanconi anemia (FA). Also called: Fanconi's anemia. Identifiers: Orphanet 84, MedGen C0015625, MeSH D005199, MONDO:0019391.

Allele frequency attached by ClinVar (database versions not stated): ExAC 0.00005; ESP Exome Variant Server 0.00008.
gnomAD v4.1: 11 of 1,551,012 alleles (0.00071%); highest among the groups gnomAD compares: African/African-American, 0.011%; no homozygotes.

Submission:

Labcorp Genetics (formerly Invitae), Labcorp
Classification: Uncertain significance for Fanconi anemia. Last evaluated: 2024-01-08. Review status: criteria provided, single submitter. Criteria: Invitae Variant Classification Sherloc (09022015). Collection method: clinical testing. Allele origin: germline.
Comment: This sequence change falls in intron 39 of the FANCA gene. It does not directly change the encoded amino acid sequence of the FANCA protein. It affects a nucleotide within the consensus splice site. This variant is present in population databases (rs368999000, gnomAD 0.03%). This variant has not been reported in the literature in individuals affected with FANCA-related conditions. ClinVar contains an entry for this variant (Variation ID: 2087527). Variants that disrupt the consensus splice site are a relatively common cause of aberrant splicing (PMID: 17576681, 9536098). Algorithms developed to predict the effect of sequence changes on RNA splicing suggest that this variant may disrupt the consensus splice site. In summary, the available evidence is currently insufficient to determine the role of this variant in disease. Therefore, it has been classified as a Variant of Uncertain Significance.

Literature cited by the submitters: PubMed 17576681; PubMed 9536098.